The following is an entry in ClinVar:

ClinVar aggregate classification (germline): Uncertain significance (1 of 4 stars; one submission).

Allele frequency attached by ClinVar (database versions not stated): TOPMed below 0.00001; ExAC 0.00001; gnomAD 0.00001; ESP Exome Variant Server 0.00008.
gnomAD v4.1: 2 of 1,612,678 alleles (0.00012%); highest among the groups gnomAD compares: African/African-American, 0.0027%; no homozygotes.

Submission:

Labcorp Genetics (formerly Invitae), Labcorp
Classification: Uncertain significance. Last evaluated: 2023-03-09. Review status: criteria provided, single submitter. Criteria: Invitae Variant Classification Sherloc (09022015). Collection method: clinical testing. Allele origin: germline.
Comment: This sequence change affects codon 210 of the STAT4 mRNA. It is a 'silent' change, meaning that it does not change the encoded amino acid sequence of the STAT4 protein. This variant also falls at the last nucleotide of exon 7, which is part of the consensus splice site for this exon. This variant is present in population databases (rs367890072, gnomAD 0.007%). This variant has not been reported in the literature in individuals affected with STAT4-related conditions. Variants that disrupt the consensus splice site are a relatively common cause of aberrant splicing (PMID: 17576681, 9536098). Algorithms developed to predict the effect of sequence changes on RNA splicing suggest that this variant is not likely to affect RNA splicing. In summary, the available evidence is currently insufficient to determine the role of this variant in disease. Therefore, it has been classified as a Variant of Uncertain Significance.

Literature cited by the submitters: PubMed 17576681; PubMed 9536098.

NM_003151.4(STAT4):c.630G>A (p.Lys210=)

Gene: STAT4 (signal transducer and activator of transcription 4; minus strand). Cytogenetic location: 2q32.2.
Variant type: single nucleotide variant.
Coding change: c.630G>A on transcript NM_003151.4 (MANE Select); coding-DNA position 630, G replaced by A.
Protein change: p.Lys210=; no amino-acid change (lysine 210 retained).
Molecular consequence: synonymous variant.
Genome position (GRCh38, 1-based): chr2:191,066,430, C>T on the plus strand (G>A on the coding strand, the complement: STAT4 is on the minus strand). VCF-style: chr2-191066430-C-T. GRCh37 (hg19) VCF-style: chr2-191931156-C-T.
Other names: c.630G>A, p.Lys210= (NM_001243835.2).
Identifiers: ClinVar variation 2796294 (VCV002796294.3), dbSNP rs367890072, ClinGen allele CA2030841.